The following is an entry in ClinVar:

NM_006231.4(POLE):c.60C>G (p.Ser20Arg)

Genes: POLE (DNA polymerase epsilon, catalytic subunit; minus strand), LOC130009266 (ATAC-STARR-seq lymphoblastoid silent region 5123; plus strand). Cytogenetic location: 12q24.33.
Variant type: single nucleotide variant.
Coding change: c.60C>G on transcript NM_006231.4 (MANE Select); coding-DNA position 60, C replaced by G.
Protein change: p.Ser20Arg; replaces serine 20 with arginine.
Molecular consequence: missense variant.
Genome position (GRCh38, 1-based): chr12:132,687,256, G>C on the plus strand (C>G on the coding strand, the complement: POLE is on the minus strand). VCF-style: chr12-132687256-G-C. GRCh37 (hg19) VCF-style: chr12-133263842-G-C.
Other names: short protein forms S20R.
Identifiers: ClinVar variation 1501199 (VCV001501199.7), dbSNP rs770124075, ClinGen allele CA387373282.

ClinVar aggregate classification (germline): Uncertain significance. Review status: criteria provided, multiple submitters, no conflicts (2 of 4 stars). 2 submissions from 2 submitters: Uncertain significance (2). Last evaluated 2022-05-26.

Conditions:
Hereditary cancer-predisposing syndrome. Also called: Hereditary neoplastic syndrome; Tumor predisposition; Neoplastic Syndromes, Hereditary; Hereditary Cancer Syndrome. Identifiers: Orphanet 140162, MedGen C0027672, MeSH D009386, MONDO:0015356.
Colorectal cancer, susceptibility to, 12 (CRCS12). Also called: COLORECTAL CANCER, SUSCEPTIBILITY TO, ON CHROMOSOME 12q24. Identifiers: Orphanet 220460, MedGen C3554460, MONDO:0014038, OMIM 615083.

Submissions (2):

Ambry Genetics
Classification: Uncertain significance for Hereditary cancer-predisposing syndrome. Last evaluated: 2022-05-26. Review status: criteria provided, single submitter. Criteria: Ambry Variant Classification Scheme 2023. Collection method: clinical testing. Allele origin: germline.
Comment: The p.S20R variant (also known as c.60C>G), located in coding exon 1 of the POLE gene, results from a C to G substitution at nucleotide position 60. The serine at codon 20 is replaced by arginine, an amino acid with dissimilar properties. This amino acid position is conserved. In addition, this alteration is predicted to be tolerated by in silico analysis. Since supporting evidence is limited at this time, the clinical significance of this alteration remains unclear.

Labcorp Genetics (formerly Invitae), Labcorp
Classification: Uncertain significance for Colorectal cancer, susceptibility to, 12. Last evaluated: 2021-08-31. Review status: criteria provided, single submitter. Criteria: Invitae Variant Classification Sherloc (09022015). Collection method: clinical testing. Allele origin: germline.
Comment: This sequence change replaces serine with arginine at codon 20 of the POLE protein (p.Ser20Arg). The serine residue is weakly conserved and there is a moderate physicochemical difference between serine and arginine. The frequency data for this variant in the population databases is considered unreliable, as metrics indicate insufficient coverage at this position in the ExAC database. This variant has not been reported in the literature in individuals affected with POLE-related conditions. Algorithms developed to predict the effect of missense changes on protein structure and function (SIFT, PolyPhen-2, Align-GVGD) all suggest that this variant is likely to be tolerated. In summary, the available evidence is currently insufficient to determine the role of this variant in disease. Therefore, it has been classified as a Variant of Uncertain Significance.